The following is an entry in ClinVar:

NM_001164462.2(MUC12):c.8043C>T (p.Gly2681=)

Gene: MUC12 (mucin 12, cell surface associated; plus strand). Cytogenetic location: 7q22.1.
Variant type: single nucleotide variant.
Coding change: c.8043C>T on transcript NM_001164462.2 (MANE Select); coding-DNA position 8043, C replaced by T.
Protein change: p.Gly2681=; no amino-acid change (glycine 2681 retained).
Molecular consequence: synonymous variant.
Genome position (GRCh38, 1-based): chr7:100,998,606, C>T. VCF-style: chr7-100998606-C-T. GRCh37 (hg19) VCF-style: chr7-100641887-C-T.
Identifiers: ClinVar variation 4280839 (VCV004280839.7).

ClinVar aggregate classification (germline): Likely benign (1 of 4 stars; one submission).

Submission:

CeGaT Center for Human Genetics Tuebingen
Classification: Likely benign. Last evaluated: 2025-09-01. Review status: criteria provided, single submitter. Criteria: CeGaT Center For Human Genetics Tuebingen Variant Classification Criteria Version 2. Collection method: clinical testing. Allele origin: germline. Affected: yes. Observed: 1 variant allele.
Comment: MUC12: BP4, BP7